The following is an entry in ClinVar:

NM_001346249.2(RALGAPA1):c.7459C>T (p.Arg2487Cys)

Gene: RALGAPA1 (Ral GTPase activating protein catalytic subunit alpha 1; minus strand). Cytogenetic location: 14q13.2.
Variant type: single nucleotide variant.
Coding change: c.7459C>T on transcript NM_001346249.2 (MANE Select); coding-DNA position 7459, C replaced by T.
Protein change: p.Arg2487Cys; replaces arginine 2487 with cysteine.
Molecular consequence: missense variant.
Genome position (GRCh38, 1-based): chr14:35,570,654, G>A on the plus strand (C>T on the coding strand, the complement: RALGAPA1 is on the minus strand). VCF-style: chr14-35570654-G-A. GRCh37 (hg19) VCF-style: chr14-36039860-G-A.
Other names: p.Arg1981Cys; c.5941C>T (NM_194301.2); c.5980C>T, p.Arg1994Cys (NM_001283043.3); c.6082C>T, p.Arg2028Cys (NM_001283044.3, NM_001346245.2, NM_001346247.2); c.7318C>T, p.Arg2440Cys (NM_001330075.3, NM_001346248.2); c.5941C>T, p.Arg1981Cys (NM_001346243.2, NM_001346246.2, NM_014990.3 and 1 more transcripts); short protein forms R1981C, R1994C, R2028C, R2440C, R2487C.
Identifiers: ClinVar variation 3380184 (VCV003380184.2).

ClinVar aggregate classification (germline): Uncertain significance. Review status: criteria provided, multiple submitters, no conflicts (2 of 4 stars). 2 submissions from 2 submitters: Uncertain significance (2). Last evaluated 2025-08-29.

Conditions:
Inborn genetic diseases. Identifiers: MedGen C0950123, MeSH D030342.

gnomAD v4.1: 5 of 1,609,270 alleles (0.00031%); highest among the groups gnomAD compares: African/African-American, 0.0013%; no homozygotes.

Submissions (2):

Ambry Genetics
Classification: Uncertain significance for Inborn genetic diseases. Last evaluated: 2025-08-29. Review status: criteria provided, single submitter. Criteria: Ambry Variant Classification Scheme 2023. Collection method: clinical testing. Allele origin: germline.

Mayo Clinic Laboratories, Mayo Clinic
Classification: Uncertain significance. Last evaluated: 2024-08-05. Review status: criteria provided, single submitter. Criteria: ACMG Guidelines, 2015. Collection method: clinical testing. Allele origin: germline. Observed: 1 variant allele.
Comment: PP3_moderate, PM2